The following is an entry in ClinVar:

NM_017739.4(POMGNT1):c.652+5C>T

Genes: POMGNT1 (protein O-linked mannose N-acetylglucosaminyltransferase 1 (beta 1,2-); minus strand), TSPAN1 (tetraspanin 1; plus strand). Cytogenetic location: 1p34.1.
Variant type: single nucleotide variant.
Coding change: c.652+5C>T on transcript NM_017739.4 (MANE Select); 5 bases into the intron after coding-DNA position 652, C replaced by T.
Molecular consequence: intron variant.
Genome position (GRCh38, 1-based): chr1:46,194,839, G>A on the plus strand (C>T on the coding strand, the complement: POMGNT1 is on the minus strand). VCF-style: chr1-46194839-G-A. GRCh37 (hg19) VCF-style: chr1-46660511-G-A.
Other names: c.652+5C>T (NM_001243766.2, NM_001438686.1, NM_001438688.1 and 3 more transcripts); c.586+5C>T (NM_001290129.3, NM_001438691.1, NM_001438692.1); c.223+5C>T (NM_001290130.2).
Identifiers: ClinVar variation 1444828 (VCV001444828.6), dbSNP rs771669680, ClinGen allele CA833665.

ClinVar aggregate classification (germline): Uncertain significance. Review status: criteria provided, multiple submitters, no conflicts (2 of 4 stars). 4 submissions from 4 submitters: Uncertain significance (4). Last evaluated 2024-12-14.

Conditions:
Autosomal recessive limb-girdle muscular dystrophy type 2O. Also called: Limb-Girdle Muscular Dystrophy Type 3C; MUSCULAR DYSTROPHY-DYSTROGLYCANOPATHY (LIMB-GIRDLE), TYPE C, 3; MUSCULAR DYSTROPHY-DYSTROGLYCANOPATHY, LIMB-GIRDLE, POMGNT1-RELATED. Identifiers: Orphanet 206564, MedGen C3150417, MONDO:0013161, OMIM 613157.
Muscular dystrophy-dystroglycanopathy (congenital with impaired intellectual development), type B, 3. Also called: Muscular dystrophy-dystroglycanopathy (congenital with intellectual disability), type B3; MUSCULAR DYSTROPHY, CONGENITAL, POMGNT1-RELATED. Identifiers: MedGen C3150412, MONDO:0013155, OMIM 613151.
Muscular dystrophy-dystroglycanopathy (congenital with brain and eye anomalies), type A3. Also called: Congenital muscular dystrophy-dystroglycanopathy with brain and eye anomalies, type A3; Muscular dystrophy-dystroglycanopathy (congenital with brain and eye anomalies), type A, 3; WALKER-WARBURG SYNDROME OR MUSCLE-EYE-BRAIN DISEASE, POMGNT1-RELATED. Identifiers: MedGen C3151519, MONDO:0009667, OMIM 253280.
Retinitis pigmentosa 76 (RP76). Identifiers: MedGen C4310704, MONDO:0014929, OMIM 617123.

Allele frequency attached by ClinVar (database versions not stated): ExAC 0.00002; gnomAD exomes 0.00003 and 0.00002; TOPMed 0.00002; gnomAD 0.00001.
gnomAD v4.1: 43 of 1,613,878 alleles (0.0027%); highest among the groups gnomAD compares: Non-Finnish European, 0.0031%; no homozygotes.

Submissions (4):

Women's Health and Genetics/Laboratory Corporation of America, LabCorp
Classification: Uncertain significance. Last evaluated: 2024-12-14. Review status: criteria provided, single submitter. Criteria: LabCorp Variant Classification Summary - May 2015. Collection method: clinical testing. Allele origin: germline.

Labcorp Genetics (formerly Invitae), Labcorp
Classification: Uncertain significance for Autosomal recessive limb-girdle muscular dystrophy type 2O; Muscular dystrophy-dystroglycanopathy (congenital with impaired intellectual development), type B, 3. Last evaluated: 2022-08-22. Review status: criteria provided, single submitter. Criteria: Invitae Variant Classification Sherloc (09022015). Collection method: clinical testing. Allele origin: germline.
Comment: This sequence change falls in intron 7 of the POMGNT1 gene. It does not directly change the encoded amino acid sequence of the POMGNT1 protein. It affects a nucleotide within the consensus splice site. This variant is present in population databases (rs771669680, gnomAD 0.004%). This variant has not been reported in the literature in individuals affected with POMGNT1-related conditions. ClinVar contains an entry for this variant (Variation ID: 1444828). Variants that disrupt the consensus splice site are a relatively common cause of aberrant splicing (PMID: 17576681, 9536098). Algorithms developed to predict the effect of sequence changes on RNA splicing suggest that this variant is not likely to affect RNA splicing. In summary, the available evidence is currently insufficient to determine the role of this variant in disease. Therefore, it has been classified as a Variant of Uncertain Significance.

Blueprint Genetics
Classification: Uncertain significance. Last evaluated: 2022-05-03. Review status: criteria provided, single submitter. Criteria: ACMG Guidelines, 2015. Collection method: clinical testing. Allele origin: germline.

Fulgent Genetics
Classification: Uncertain significance for Muscular dystrophy-dystroglycanopathy (congenital with brain and eye anomalies), type A3; Muscular dystrophy-dystroglycanopathy (congenital with impaired intellectual development), type B, 3; Autosomal recessive limb-girdle muscular dystrophy type 2O; Retinitis pigmentosa 76. Last evaluated: 2021-11-09. Review status: criteria provided, single submitter. Criteria: ACMG Guidelines, 2015. Collection method: clinical testing. Allele origin: unknown.

Literature cited by the submitters: PubMed 17576681 (cited by Labcorp Genetics (formerly Invitae), Labcorp); PubMed 9536098 (cited by Labcorp Genetics (formerly Invitae), Labcorp).